The following is an entry in ClinVar:

NM_021098.3(CACNA1H):c.6253G>C (p.Ala2085Pro)

Gene: CACNA1H (calcium voltage-gated channel subunit alpha1 H; plus strand). Cytogenetic location: 16p13.3.
Variant type: single nucleotide variant.
Coding change: c.6253G>C on transcript NM_021098.3 (MANE Select); coding-DNA position 6253, G replaced by C.
Protein change: p.Ala2085Pro; replaces alanine 2085 with proline.
Molecular consequence: missense variant.
Genome position (GRCh38, 1-based): chr16:1,220,185, G>C. VCF-style: chr16-1220185-G-C. GRCh37 (hg19) VCF-style: chr16-1270185-G-C.
Other names: c.6235G>C, p.Ala2079Pro (NM_001005407.2); short protein forms A2085P, A2079P.
Identifiers: ClinVar variation 529562 (VCV000529562.8), dbSNP rs1555520840, ClinGen allele CA394149371.
Genomic context (GRCh38, chr16:1,220,185, plus strand): 5'-GCCAGCGTCCGCACTCGTAAGCATACCTTCGGACAGCGCTGCGTCTCCAGCCGGCCGGCG[G>C]CCCCAGGCGGAGAGGAGGCCGAGGCCTCGGACCCAGCCGACGAGGAGGTCAGCCACATCA-3'
Protein context (NP_066921.2, residues 2075-2095): GQRCVSSRPA[Ala2085Pro]PGGEEAEASD

ClinVar aggregate classification (germline): Uncertain significance (1 of 4 stars; one submission).

Conditions:
Hyperaldosteronism, familial, type IV (HALD4). Also called: FH IV; ALDOSTERONISM, PRIMARY, AND HYPERTENSION. Identifiers: Orphanet 642671, MedGen C4310756, MONDO:0014875, OMIM 617027.
Idiopathic generalized epilepsy. Also called: Generalised epilepsy; EIG. Identifiers: MedGen C0270850, MONDO:0005579, OMIM 600669.

Submission:

Labcorp Genetics (formerly Invitae), Labcorp
Classification: Uncertain significance for Idiopathic generalized epilepsy; Hyperaldosteronism, familial, type IV. Last evaluated: 2017-11-28. Review status: criteria provided, single submitter. Criteria: Invitae Variant Classification Sherloc (09022015). Collection method: clinical testing. Allele origin: germline.
Comment: This variant is not present in population databases (ExAC no frequency). This sequence change replaces alanine with proline at codon 2085 of the CACNA1H protein (p.Ala2085Pro). The alanine residue is weakly conserved and there is a small physicochemical difference between alanine and proline. In summary, the available evidence is currently insufficient to determine the role of this variant in disease. Therefore, it has been classified as a Variant of Uncertain Significance. Algorithms developed to predict the effect of missense changes on protein structure and function do not agree on the potential impact of this missense change (SIFT: "Tolerated"; PolyPhen-2: "Possibly Damaging"; Align-GVGD: "Class C0"). This variant has not been reported in the literature in individuals with CACNA1H-related disease.